The following is an entry in ClinVar:

ClinVar aggregate classification (germline): Pathogenic. Review status: criteria provided, multiple submitters, no conflicts (2 of 4 stars). 3 submissions from 3 submitters: Pathogenic (3). Last evaluated 2024-10-31.

Conditions:
Hereditary hemorrhagic telangiectasia (HHT). Also called: Osler hemorrhagic telangiectasia syndrome; ORW DISEASE; Osler Weber Rendu syndrome; OSLER-RENDU-WEBER DISEASE. Identifiers: Orphanet 774, MedGen C0039445, MONDO:0019180. Disease mechanism: loss of function.
Cardiovascular phenotype. Identifiers: MedGen CN230736.

Submissions (3):

Ambry Genetics
Classification: Pathogenic for Cardiovascular phenotype. Last evaluated: 2024-10-31. Review status: criteria provided, single submitter. Criteria: Ambry Variant Classification Scheme 2023. Collection method: clinical testing. Allele origin: germline.
Comment: The c.1428+2T>C intronic pathogenic mutation results from a T to C substitution two nucleotides after coding exon 11 in the ENG gene. Alterations that disrupt the canonical splice site are expected to result in aberrant splicing. In silico splice site analysis predicts that this alteration will weaken the native splice donor site. The resulting transcript is predicted to be in-frame and is not expected to trigger nonsense-mediated mRNAdecay; however, direct evidence is unavailable. The exact functional effect of the altered amino acid sequence is unknown; however, the impacted region is critical for protein function (Ambry internal data). This variant has been observed in at least one individual with a personal and/or family history that is consistent with hereditary hemorrhagic telangiectasia (Ambry internal data). This variant is considered to be rare based on population cohorts in the Genome Aggregation Database (gnomAD). This nucleotide position is highly conserved in available vertebrate species. Based on the supporting evidence, this variant is interpreted as a disease-causing mutation.

Labcorp Genetics (formerly Invitae), Labcorp
Classification: Pathogenic for Hereditary hemorrhagic telangiectasia. Last evaluated: 2021-10-17. Review status: criteria provided, single submitter. Criteria: Invitae Variant Classification Sherloc (09022015). Collection method: clinical testing. Allele origin: germline.
Comment: This sequence change affects a donor splice site in intron 11 of the ENG gene. It is expected to disrupt RNA splicing. Variants that disrupt the donor or acceptor splice site typically lead to a loss of protein function (PMID: 16199547), and loss-of-function variants in ENG are known to be pathogenic (PMID: 15879500). This variant is not present in population databases (ExAC no frequency). Disruption of this splice site has been observed in individuals with hereditary hemorrhagic telangiectasia (PMID: 16752392, 22991266). ClinVar contains an entry for this variant (Variation ID: 213217). For these reasons, this variant has been classified as Pathogenic. Algorithms developed to predict the effect of sequence changes on RNA splicing suggest that this variant may disrupt the consensus splice site.

GeneDx
Classification: Pathogenic. Last evaluated: 2015-01-07. Review status: criteria provided, single submitter. Criteria: GeneDx Variant Classification (06012015). Collection method: clinical testing. Allele origin: germline. Affected: yes.
Comment: c.1428+2 T>C: IVS11+2 T>C in intron 11 of the ENG gene (NM_000118.2) Although the c.1428+2 T>C mutation has not been reported as a disease-causing mutation or as a benign polymorphism to our knowledge, a mutation affecting the same nucleotide, c.1428+2 T>G, has been reported in association with HHT (Bossler A et al., 2006). The c.1428+2 T>C mutation was not observed in approximately 6,500 individuals of European and African American ancestry in the NHLBI Exome Sequencing Project, indicating it is not a common benign variant in these populations. This mutation destroys the canonical splice donor site in intron 11 and is predicted to cause abnormal gene splicing. Furthermore, other splice site mutations in the ENG gene have been reported in association with HHT. In summary, c.1428+2 T>C in the ENG gene is interpreted as a disease-causing mutation. This variant was found in HHT-ARRHYTHMIA,ENG

Literature cited by the submitters: PubMed 16199547 (cited by Labcorp Genetics (formerly Invitae), Labcorp); PubMed 15879500 (cited by Labcorp Genetics (formerly Invitae), Labcorp); PubMed 16752392 (cited by Labcorp Genetics (formerly Invitae), Labcorp); PubMed 22991266 (cited by Labcorp Genetics (formerly Invitae), Labcorp).

NM_001114753.3(ENG):c.1428+2T>C

Genes: ENG (endoglin; minus strand), LOC102723566 (uncharacterized LOC102723566; plus strand). Cytogenetic location: 9q34.11.
Variant type: single nucleotide variant.
Coding change: c.1428+2T>C on transcript NM_001114753.3 (MANE Select); the canonical splice donor site of the intron after coding-DNA position 1428, T replaced by C.
Molecular consequence: splice donor variant.
Genome position (GRCh38, 1-based): chr9:127,818,714, A>G on the plus strand (T>C on the coding strand, the complement: ENG is on the minus strand). VCF-style: chr9-127818714-A-G. GRCh37 (hg19) VCF-style: chr9-130580993-A-G.
Other names: c.1428+2T>C (NM_000118.4); c.882+2T>C (NM_001278138.2).
Identifiers: ClinVar variation 213217 (VCV000213217.12), dbSNP rs863223543, ClinGen allele CA325022.
Genomic context (GRCh38, chr9:127,818,714, plus strand): 5'-GAAAGGCGGAGAGGAAGTTCCAGGAGCTGGGAGGCCCGAGGGGTGACAGGCATGCCAGGT[A>G]CCTGCACAAAGCTCTGCTGCCCCGGCTCGATGGTGTTGGAGGCCTGGAGGAAGTGTGGGC-3'